The following is an entry in ClinVar:

NM_001365276.2(TNXB):c.8631G>C (p.Gln2877His)

Gene: TNXB (tenascin XB; minus strand). Cytogenetic location: 6p21.33.
Variant type: single nucleotide variant.
Coding change: c.8631G>C on transcript NM_001365276.2 (MANE Select); coding-DNA position 8631, G replaced by C.
Protein change: p.Gln2877His; replaces glutamine 2877 with histidine.
Molecular consequence: missense variant.
Genome position (GRCh38, 1-based): chr6:32,053,548, C>G on the plus strand (G>C on the coding strand, the complement: TNXB is on the minus strand). VCF-style: chr6-32053548-C-G. GRCh37 (hg19) VCF-style: chr6-32021325-C-G.
Other names: c.8625G>C, p.Gln2875His (NM_019105.8); short protein forms Q2875H, Q2877H.
Identifiers: ClinVar variation 1188741 (VCV001188741.7), dbSNP rs773612193, ClinGen allele CA3733784.

ClinVar aggregate classification (germline): Uncertain significance. Review status: criteria provided, multiple submitters, no conflicts (2 of 4 stars). 4 submissions from 4 submitters: Uncertain significance (4). Last evaluated 2023-09-18.

Conditions:
Cardiovascular phenotype. Identifiers: MedGen CN230736.
Ehlers-Danlos syndrome due to tenascin-X deficiency (EDSCLL1). Also called: EHLERS-DANLOS SYNDROME, CLASSIC-LIKE; Ehlers-Danlos syndrome, classic-like, 1; EDS DUE TO TNX DEFICIENCY; TNXB-Related Classical-Like Ehlers-Danlos Syndrome; TNX DEFICIENCY. Identifiers: Orphanet 230839, MedGen C1848029, MONDO:0011670, OMIM 606408.
Vesicoureteral reflux 8 (VUR8). Identifiers: Orphanet 289365, MedGen C4014831, MONDO:0014422, OMIM 615963.

Allele frequency attached by ClinVar (database versions not stated): ExAC 0.00001; gnomAD 0.00002; gnomAD exomes 0.00002; TOPMed 0.00006.
gnomAD v4.1: 39 of 1,613,598 alleles (0.0024%); highest among the groups gnomAD compares: East Asian, 0.0067%; no homozygotes.

Submissions (4):

Ambry Genetics
Classification: Uncertain significance for Cardiovascular phenotype. Last evaluated: 2023-09-18. Review status: criteria provided, single submitter. Criteria: Ambry Variant Classification Scheme 2023. Collection method: clinical testing. Allele origin: germline.
Comment: The p.Q2875H variant (also known as c.8625G>C), located in coding exon 24 of the TNXB gene, results from a G to C substitution at nucleotide position 8625. The glutamine at codon 2875 is replaced by histidine, an amino acid with highly similar properties. This amino acid position is highly conserved in available vertebrate species. In addition, this alteration is predicted to be tolerated by in silico analysis. Since supporting evidence is limited at this time, the clinical significance of this alteration remains unclear.

Fulgent Genetics
Classification: Uncertain significance for Ehlers-Danlos syndrome due to tenascin-X deficiency; Vesicoureteral reflux 8. Last evaluated: 2021-08-07. Review status: criteria provided, single submitter. Criteria: ACMG Guidelines, 2015. Collection method: clinical testing. Allele origin: unknown.

GeneDx
Classification: Uncertain significance. Last evaluated: 2019-09-24. Review status: criteria provided, single submitter. Criteria: GeneDx Variant Classification Process June 2021. Collection method: clinical testing. Allele origin: germline. Affected: yes.
Comment: Has not been previously published as pathogenic or benign to our knowledge; In silico analysis, which includes protein predictors and evolutionary conservation, supports a deleterious effect

Juno Genomics, Hangzhou Juno Genomics, Inc
Classification: Uncertain significance for Ehlers-Danlos syndrome due to tenascin-X deficiency; Vesicoureteral reflux 8. Review status: criteria provided, single submitter. Criteria: ACMG Guidelines, 2015. Collection method: clinical testing. Allele origin: germline.
Comment: Absent from controls (or at extremely low frequency if recessive) in Genome Aggregation Database.;Multiple lines of computational evidence support a deleterious effect on the gene or gene product.